The following is an entry in ClinVar:

NM_182760.4(SUMF1):c.532_542del (p.Pro178fs)

Gene: SUMF1 (sulfatase modifying factor 1; minus strand). Cytogenetic location: 3p26.1.
Variant type: Deletion.
Coding change: c.532_542del on transcript NM_182760.4 (MANE Select); coding-DNA positions 532 to 542, 11 bases deleted (CCCTGGTGGTT).
Protein change: p.Pro178fs; shifts the reading frame from proline 178.
Molecular consequence: frameshift variant.
Genome position (GRCh38, 1-based): chr3:4,420,124-4,420,134, AACCACCAGGG deleted on the plus strand (CCCTGGTGGTT on the coding strand, the reverse complement: SUMF1 is on the minus strand); deleting any 11 consecutive bases within chr3:4,420,124-4,420,135 gives the same sequence; the c. name uses the placement nearest the transcript's 3' end. VCF-style (leftmost placement, unchanged base first): chr3-4420123-TAACCACCAGGG-T. GRCh37 (hg19) VCF-style: chr3-4461807-TAACCACCAGGG-T.
Other names: c.457_467del, p.Pro153fs (NM_001164674.2); c.532_542del, p.Pro178fs (NM_001164675.2); short protein forms P153fs, P178fs.
Identifiers: ClinVar variation 2749023 (VCV002749023.3), dbSNP rs2469868631, ClinGen allele CA2697550634.

ClinVar aggregate classification (germline): Pathogenic (1 of 4 stars; one submission).

Conditions:
Multiple sulfatase deficiency (MSD). Also called: Mucosulfatidosis; Multiple Sulfatase Deficiency Disease; Sulfatidosis, Juvenile, Austin Type. Identifiers: Orphanet 585, MedGen C0268263, MONDO:0010088, OMIM 272200.

Submission:

Labcorp Genetics (formerly Invitae), Labcorp
Classification: Pathogenic for Multiple sulfatase deficiency. Last evaluated: 2023-08-01. Review status: criteria provided, single submitter. Criteria: Invitae Variant Classification Sherloc (09022015). Collection method: clinical testing. Allele origin: germline.
Comment: For these reasons, this variant has been classified as Pathogenic. Algorithms developed to predict the effect of sequence changes on RNA splicing suggest that this variant may create or strengthen a splice site. This variant has not been reported in the literature in individuals affected with SUMF1-related conditions. This variant is not present in population databases (gnomAD no frequency). This sequence change creates a premature translational stop signal (p.Pro178Thrfs*6) in the SUMF1 gene. It is expected to result in an absent or disrupted protein product. Loss-of-function variants in SUMF1 are known to be pathogenic (PMID: 12757705, 12757706, 25885655).

Literature cited by the submitters: PubMed 12757705; PubMed 12757706; PubMed 25885655.